The following is an entry in ClinVar:

NM_001042603.3(KDM5A):c.2206G>A (p.Ala736Thr)

Gene: KDM5A (lysine demethylase 5A; minus strand). Cytogenetic location: 12p13.33.
Variant type: single nucleotide variant.
Coding change: c.2206G>A on transcript NM_001042603.3 (MANE Select); coding-DNA position 2206, G replaced by A.
Protein change: p.Ala736Thr; replaces alanine 736 with threonine.
Molecular consequence: missense variant.
Genome position (GRCh38, 1-based): chr12:323,151, C>T on the plus strand (G>A on the coding strand, the complement: KDM5A is on the minus strand). VCF-style: chr12-323151-C-T. GRCh37 (hg19) VCF-style: chr12-432317-C-T.
Other names: short protein forms A736T.
Identifiers: ClinVar variation 2662196 (VCV002662196.2), dbSNP rs1247040869, ClinGen allele CA383638873.
Genomic context (GRCh38, chr12:323,151, plus strand): 5'-GGTTGAAGTTAGCAGACAATGCTTCTGTAACACGACTGACCCAAGTGTCATAGGACTGTG[C>T]CCTGACTTTTACACCATATAGCAGAGAAGGGAGGTCTTCTAATGGGTAGCGATATCTACA-3'
Protein context (NP_001036068.1, residues 726-746): PSLLYGVKVR[Ala736Thr]QSYDTWVSRV

ClinVar aggregate classification (germline): Uncertain significance. Review status: criteria provided, multiple submitters, no conflicts (2 of 4 stars). 2 submissions from 2 submitters: Uncertain significance (2). Last evaluated 2024-11-26.

Allele frequency attached by ClinVar (database versions not stated): TOPMed 0.00001.
gnomAD v4.1: 3 of 1,552,338 alleles (0.00019%); highest among the groups gnomAD compares: Admixed American, 0.0053%; no homozygotes.

Submissions (2):

Ambry Genetics
Classification: Uncertain significance. Last evaluated: 2024-11-26. Review status: criteria provided, single submitter. Criteria: Ambry Variant Classification Scheme 2023. Collection method: clinical testing. Allele origin: germline.

GeneDx
Classification: Uncertain significance. Last evaluated: 2023-05-09. Review status: criteria provided, single submitter. Criteria: GeneDx Variant Classification Process June 2021. Collection method: clinical testing. Allele origin: germline. Affected: yes.
Comment: In silico analysis supports that this missense variant has a deleterious effect on protein structure/function; Has not been previously published as pathogenic or benign to our knowledge